The following is an entry in ClinVar:

ClinVar aggregate classification (germline): Uncertain significance (1 of 4 stars; one submission).

Allele frequency attached by ClinVar (database versions not stated): 1000 Genomes Project 30x 0.00016.
gnomAD v4.1: 56 of 1,609,142 alleles (0.0035%); highest among the groups gnomAD compares: East Asian, 0.058%; no homozygotes.

Submission:

Labcorp Genetics (formerly Invitae), Labcorp
Classification: Uncertain significance. Last evaluated: 2025-10-13. Review status: criteria provided, single submitter. Criteria: Invitae Variant Classification Sherloc (09022015). Collection method: clinical testing. Allele origin: germline.
Comment: This sequence change replaces asparagine, which is neutral and polar, with serine, which is neutral and polar, at codon 810 of the CCDC88C protein (p.Asn810Ser). This variant is present in population databases (rs367893633, gnomAD 0.02%). This variant has not been reported in the literature in individuals affected with CCDC88C-related conditions. ClinVar contains an entry for this variant (Variation ID: 2158548). An algorithm developed to predict the effect of missense changes on protein structure and function outputs the following: PolyPhen-2: "Benign". The serine amino acid residue is found in multiple mammalian species, which suggests that this missense change does not adversely affect protein function. In summary, the available evidence is currently insufficient to determine the role of this variant in disease. Therefore, it has been classified as a Variant of Uncertain Significance.

NM_001080414.4(CCDC88C):c.2429A>G (p.Asn810Ser)

Gene: CCDC88C (coiled-coil and HOOK domain protein 88C; minus strand). Cytogenetic location: 14q32.11.
Variant type: single nucleotide variant.
Coding change: c.2429A>G on transcript NM_001080414.4 (MANE Select); coding-DNA position 2429, A replaced by G.
Protein change: p.Asn810Ser; replaces asparagine 810 with serine.
Molecular consequence: missense variant.
Genome position (GRCh38, 1-based): chr14:91,313,387, T>C on the plus strand (A>G on the coding strand, the complement: CCDC88C is on the minus strand). VCF-style: chr14-91313387-T-C. GRCh37 (hg19) VCF-style: chr14-91779731-T-C.
Other names: short protein forms N810S.
Identifiers: ClinVar variation 2158548 (VCV002158548.2), dbSNP rs367893633, ClinGen allele CA7309652.